The following is an entry in ClinVar:

ClinVar aggregate classification (germline): Uncertain significance (1 of 4 stars; one submission).

Conditions:
Adenylosuccinate lyase deficiency (ADSLD). Also called: ADSL DEFICIENCY. Identifiers: Orphanet 46, MedGen C0268126, MONDO:0007068, OMIM 103050.

Allele frequency attached by ClinVar (database versions not stated): gnomAD exomes below 0.00001; TOPMed below 0.00001; gnomAD 0.00001.

Submission:

Labcorp Genetics (formerly Invitae), Labcorp
Classification: Uncertain significance for Adenylosuccinate lyase deficiency. Last evaluated: 2025-05-19. Review status: criteria provided, single submitter. Criteria: Invitae Variant Classification Sherloc (09022015). Collection method: clinical testing. Allele origin: germline.
Comment: This sequence change replaces tyrosine, which is neutral and polar, with cysteine, which is neutral and slightly polar, at codon 432 of the ADSL protein (p.Tyr432Cys). This variant is not present in population databases (gnomAD no frequency). This variant has not been reported in the literature in individuals affected with ADSL-related conditions. ClinVar contains an entry for this variant (Variation ID: 1928951). Invitae Evidence Modeling of protein sequence and biophysical properties (such as structural, functional, and spatial information, amino acid conservation, physicochemical variation, residue mobility, and thermodynamic stability) indicates that this missense variant is expected to disrupt ADSL protein function with a positive predictive value of 80%. In summary, the available evidence is currently insufficient to determine the role of this variant in disease. Therefore, it has been classified as a Variant of Uncertain Significance.

NM_000026.4(ADSL):c.1295A>G (p.Tyr432Cys)

Gene: ADSL (adenylosuccinate lyase; plus strand). Cytogenetic location: 22q13.1.
Variant type: single nucleotide variant.
Coding change: c.1295A>G on transcript NM_000026.4 (MANE Select); coding-DNA position 1295, A replaced by G.
Protein change: p.Tyr432Cys; replaces tyrosine 432 with cysteine.
Molecular consequence: missense variant. On other transcripts: non-coding transcript variant (1), intron variant (1).
Genome position (GRCh38, 1-based): chr22:40,364,983, A>G. VCF-style: chr22-40364983-A-G. GRCh37 (hg19) VCF-style: chr22-40760987-A-G.
Other names: c.1103A>G, p.Tyr368Cys (NM_001317923.2); c.1295A>G, p.Tyr432Cys (NM_001363840.3, NM_001410812.1); c.1250A>G, p.Tyr417Cys (NM_001410814.1); c.1191+618A>G (NM_001123378.3); short protein forms Y368C, Y417C, Y432C.
Identifiers: ClinVar variation 1928951 (VCV001928951.4), dbSNP rs754803189, ClinGen allele CA324460794.